The following is an entry in ClinVar:

ClinVar aggregate classification (germline): Uncertain significance (1 of 4 stars; one submission).

Conditions:
Heterotaxy, visceral, 8, autosomal (HTX8). Identifiers: MedGen C4310668, MONDO:0014967, OMIM 617205.

Allele frequency attached by ClinVar (database versions not stated): gnomAD 0.00001 and 0.00002; gnomAD exomes 0.00001 and 0.00003; TOPMed 0.00001; ExAC 0.00002; 1000 Genomes Project 30x 0.00016; 1000 Genomes Project 0.00020.
gnomAD v4.1: 54 of 1,614,250 alleles (0.0033%); highest among the groups gnomAD compares: Middle Eastern, 0.26%; no homozygotes.

Submission:

Baylor Genetics
Classification: Uncertain significance for Heterotaxy, visceral, 8, autosomal. Last evaluated: 2019-07-25. Review status: criteria provided, single submitter. Criteria: ACMG Guidelines, 2015. Collection method: clinical testing. Allele origin: unknown. Affected: yes.
Comment: This variant was determined to be of uncertain significance according to ACMG Guidelines, 2015 [PMID:25741868].

NM_138295.5(PKD1L1):c.578G>A (p.Cys193Tyr)

Gene: PKD1L1 (polycystin 1 like 1, transient receptor potential channel interacting; minus strand). Cytogenetic location: 7p12.3.
Variant type: single nucleotide variant.
Coding change: c.578G>A on transcript NM_138295.5 (MANE Select); coding-DNA position 578, G replaced by A.
Protein change: p.Cys193Tyr; replaces cysteine 193 with tyrosine.
Molecular consequence: missense variant.
Genome position (GRCh38, 1-based): chr7:47,931,263, C>T on the plus strand (G>A on the coding strand, the complement: PKD1L1 is on the minus strand). VCF-style: chr7-47931263-C-T. GRCh37 (hg19) VCF-style: chr7-47970860-C-T.
Other names: short protein forms C193Y.
Identifiers: ClinVar variation 1027703 (VCV001027703.1), dbSNP rs199720987, ClinGen allele CA4254307.